The following is an entry in ClinVar:

ClinVar aggregate classification (germline): Benign/Likely benign. Review status: criteria provided, multiple submitters, no conflicts (2 of 4 stars). 5 submissions from 5 submitters: Benign (2); Likely benign (2). 1 of the submissions does not count toward it. Last evaluated 2026-01-26.

Conditions:
Inborn genetic diseases. Identifiers: MedGen C0950123, MeSH D030342.
Early-infantile DEE. Also called: Early infantile epileptic encephalopathy; Ohtahara syndrome; Early infantile epileptic encephalopathy with suppression bursts. Identifiers: Orphanet 1934, MedGen C0393706, MONDO:0800491.
SPTAN1-related disorder. Also called: SPTAN1-related condition; SPTAN1-related disorders.
Developmental and epileptic encephalopathy, 5 (DEE5). Identifiers: Orphanet 3451, MedGen C3150731, MONDO:0013277, OMIM 613477.

Allele frequency attached by ClinVar (database versions not stated): gnomAD below 0.00001 and 0.00009; TOPMed 0.00001; gnomAD exomes 0.00017 and 0.00031; ExAC 0.00035; 1000 Genomes Project 30x 0.00047; 1000 Genomes Project 0.00060.
gnomAD v4.1: 253 of 1,614,134 alleles (0.016%); highest among the groups gnomAD compares: South Asian, 0.26%; 2 homozygotes.

Submissions (5):

Labcorp Genetics (formerly Invitae), Labcorp
Classification: Benign for Early-infantile DEE. Last evaluated: 2026-01-26. Review status: criteria provided, single submitter. Criteria: Invitae Variant Classification Sherloc (09022015). Collection method: clinical testing. Allele origin: germline.

Genome-Nilou Lab
Classification: Benign for Developmental and epileptic encephalopathy, 5. Last evaluated: 2021-07-15. Review status: criteria provided, single submitter. Criteria: ACMG Guidelines, 2015. Collection method: clinical testing. Allele origin: germline. Affected: no.

GeneDx
Classification: Likely benign. Last evaluated: 2018-08-13. Review status: criteria provided, single submitter. Criteria: GeneDx Variant Classification Process June 2021. Collection method: clinical testing. Allele origin: germline. Affected: yes.

Ambry Genetics
Classification: Likely benign for Inborn genetic diseases. Last evaluated: 2017-05-30. Review status: criteria provided, single submitter. Criteria: Ambry Variant Classification Scheme 2023. Collection method: clinical testing. Allele origin: germline.

PreventionGenetics, part of Exact Sciences
Classification: Likely benign for SPTAN1-related condition. Last evaluated: 2020-01-02. Review status: no assertion criteria provided. Collection method: clinical testing. Allele origin: germline. Not counted in ClinVar's aggregate classification.
Comment: This variant is classified as likely benign based on ACMG/AMP sequence variant interpretation guidelines (Richards et al. 2015 PMID: 25741868, with internal and published modifications).

NM_001130438.3(SPTAN1):c.1242A>G (p.Glu414=)

Gene: SPTAN1 (spectrin alpha, non-erythrocytic 1; plus strand). Cytogenetic location: 9q34.11.
Variant type: single nucleotide variant.
Coding change: c.1242A>G on transcript NM_001130438.3 (MANE Select); coding-DNA position 1242, A replaced by G.
Protein change: p.Glu414=; no amino-acid change (glutamic acid 414 retained).
Molecular consequence: synonymous variant.
Genome position (GRCh38, 1-based): chr9:128,579,657, A>G. VCF-style: chr9-128579657-A-G. GRCh37 (hg19) VCF-style: chr9-131341936-A-G.
Other names: c.1242A>G, p.Glu414= (NM_001195532.2, NM_001363759.2, NM_001363765.2 and 1 more transcripts).
Identifiers: ClinVar variation 590182 (VCV000590182.23), dbSNP rs137947812, ClinGen allele CA5264349.
Genomic context (GRCh38, chr9:128,579,657, plus strand): 5'-TGCTGGGCACAAATCATGGCTTTGTTTTTTTCTCCTGTAGGGTGAAATTGATGCCCATGA[A>G]GACAGCTTCAAATCTGCAGATGAATCTGGACAGGCACTGCTTGCTGCTGGTCACTATGCC-3'
Protein context (NP_001123910.1, residues 404-424): QEHKGEIDAH[Glu414=]DSFKSADESG